The following is an entry in ClinVar:

NM_002661.5(PLCG2):c.1909AACCCC[3] (p.Pro640_His641insAsnPro)

Gene: PLCG2 (phospholipase C gamma 2; plus strand). Cytogenetic location: 16q23.3.
Variant type: Microsatellite.
Coding change: c.1909AACCCC[3] on transcript NM_002661.5 (MANE Select); three copies in a row of the 6-base unit AACCCC starting at c.1909; the reference has two copies in a row; one copy, 6 bases duplicated.
Protein change: p.Pro640_His641insAsnPro.
Molecular consequence: inframe insertion.
Genome position (GRCh38, 1-based): chr16:81,910,701-81,910,706, AACCCC duplicated; duplicating any 6 consecutive bases within chr16:81,910,692-81,910,706 gives the same sequence; the position shown is the placement nearest the transcript's 3' end. VCF-style (leftmost placement, unchanged base first): chr16-81910691-G-GCCCAAC. GRCh37 (hg19) VCF-style: chr16-81944296-G-GCCCAAC.
Identifiers: ClinVar variation 1931181 (VCV001931181.5), dbSNP rs1311793084, ClinGen allele CA624017151.

ClinVar aggregate classification (germline): Uncertain significance (1 of 4 stars; one submission).

Conditions:
Familial cold autoinflammatory syndrome 3 (FCAS3). Also called: FAMILIAL ATYPICAL COLD URTICARIA; ANTIBODY DEFICIENCY AND IMMUNE DYSREGULATION, PLCG2-ASSOCIATED. Identifiers: Orphanet 300359, MedGen C3280914, MONDO:0013766, OMIM 614468.

Submission:

Labcorp Genetics (formerly Invitae), Labcorp
Classification: Uncertain significance for Familial cold autoinflammatory syndrome 3. Last evaluated: 2022-09-28. Review status: criteria provided, single submitter. Criteria: Invitae Variant Classification Sherloc (09022015). Collection method: clinical testing. Allele origin: germline.
Comment: In summary, the available evidence is currently insufficient to determine the role of this variant in disease. Therefore, it has been classified as a Variant of Uncertain Significance. This variant has not been reported in the literature in individuals affected with PLCG2-related conditions. This variant is present in population databases (no rsID available, gnomAD 0.003%). This variant, c.1915_1920dup, results in the insertion of 2 amino acid(s) of the PLCG2 protein (p.Asn639_Pro640dup), but otherwise preserves the integrity of the reading frame.